The following is an entry in ClinVar:

ClinVar aggregate classification (germline): Conflicting classifications of pathogenicity. Review status: criteria provided, conflicting classifications (1 of 4 stars). 4 submissions from 4 submitters: Likely pathogenic (1); Uncertain significance (2). 1 of the submissions does not count toward it. Last evaluated 2024-06-04.

Conditions:
Primary hyperoxaluria, type II (HP2). Also called: D-GLYCERATE DEHYDROGENASE DEFICIENCY; OXALOSIS II; Primary hyperoxaluria type 2; GLYCERIC ACIDURIA; GLYOXYLATE REDUCTASE/HYDROXYPYRUVATE REDUCTASE DEFICIENCY. Identifiers: Orphanet 416, Orphanet 93599, MedGen C0268165, MONDO:0009824, OMIM 260000. Disease mechanism: loss of function.

Allele frequency attached by ClinVar (database versions not stated): TOPMed below 0.00001; gnomAD 0.00001; ExAC 0.00005; ESP Exome Variant Server 0.00008.

Submissions (4):

Fulgent Genetics
Classification: Uncertain significance for Primary hyperoxaluria, type II. Last evaluated: 2024-06-04. Review status: criteria provided, single submitter. Criteria: ACMG Guidelines, 2015. Collection method: clinical testing. Allele origin: germline.

Clinical Biochemistry Laboratory, Health Services Laboratory
Classification: Likely pathogenic for Primary hyperoxaluria, type II. Last evaluated: 2023-10-27. Review status: criteria provided, single submitter. Criteria: ACMG Guidelines, 2015. Collection method: curation. Allele origin: germline. Affected: yes.
Comment: ACMG:PM1 PM2 PP3 PP4 PP5

Labcorp Genetics (formerly Invitae), Labcorp
Classification: Uncertain significance. Last evaluated: 2021-09-01. Review status: criteria provided, single submitter. Criteria: Invitae Variant Classification Sherloc (09022015). Collection method: clinical testing. Allele origin: germline.
Comment: This sequence change replaces aspartic acid with asparagine at codon 61 of the GRHPR protein (p.Asp61Asn). The aspartic acid residue is highly conserved and there is a small physicochemical difference between aspartic acid and asparagine. This variant is present in population databases (rs371660673, ExAC 0.05%). This variant has not been reported in the literature in individuals affected with GRHPR-related conditions. Algorithms developed to predict the effect of missense changes on protein structure and function (SIFT, PolyPhen-2, Align-GVGD) all suggest that this variant is likely to be tolerated. In summary, the available evidence is currently insufficient to determine the role of this variant in disease. Therefore, it has been classified as a Variant of Uncertain Significance.

Chinese Inherited Urolithiasis Consortium, The Affiliated Yantai Yuhuangding Hospital of Qingdao University
Classification: Likely pathogenic for Primary hyperoxaluria, type II. Last evaluated: 2024-08-26. Review status: no assertion criteria provided. Collection method: clinical testing. Allele origin: maternal. Affected: yes. Observed: 1 variant allele. Not counted in ClinVar's aggregate classification.

Literature cited by the submitters: PubMed 26542998 (cited by Clinical Biochemistry Laboratory, Health Services Laboratory).

NM_012203.2(GRHPR):c.181G>A (p.Asp61Asn)

Gene: GRHPR (glyoxylate and hydroxypyruvate reductase; plus strand). Cytogenetic location: 9p13.2.
Variant type: single nucleotide variant.
Coding change: c.181G>A on transcript NM_012203.2 (MANE Select); coding-DNA position 181, G replaced by A.
Protein change: p.Asp61Asn; replaces aspartic acid 61 with asparagine.
Molecular consequence: missense variant.
Genome position (GRCh38, 1-based): chr9:37,424,942, G>A. VCF-style: chr9-37424942-G-A. GRCh37 (hg19) VCF-style: chr9-37424939-G-A.
Other names: short protein forms D61N.
Identifiers: ClinVar variation 2155337 (VCV002155337.5), dbSNP rs371660673, ClinGen allele CA5058950.